The following is an entry in ClinVar:

NM_001184.4(ATR):c.6608A>T (p.His2203Leu)

Gene: ATR (ATR checkpoint kinase; minus strand). Cytogenetic location: 3q23.
Variant type: single nucleotide variant.
Coding change: c.6608A>T on transcript NM_001184.4 (MANE Select); coding-DNA position 6608, A replaced by T.
Protein change: p.His2203Leu; replaces histidine 2203 with leucine.
Molecular consequence: missense variant.
Genome position (GRCh38, 1-based): chr3:142,468,013, T>A on the plus strand (A>T on the coding strand, the complement: ATR is on the minus strand). VCF-style: chr3-142468013-T-A. GRCh37 (hg19) VCF-style: chr3-142186855-T-A.
Other names: c.6416A>T, p.His2139Leu (NM_001354579.2); short protein forms H2139L, H2203L.
Identifiers: ClinVar variation 3221255 (VCV003221255.1), dbSNP rs2108276085, ClinGen allele CA354803594.

ClinVar aggregate classification (germline): Uncertain significance (1 of 4 stars; one submission).

Conditions:
Inborn genetic diseases. Identifiers: MedGen C0950123, MeSH D030342.

Submission:

Ambry Genetics
Classification: Uncertain significance for Inborn genetic diseases. Last evaluated: 2023-10-06. Review status: criteria provided, single submitter. Criteria: Ambry Variant Classification Scheme 2023. Collection method: clinical testing. Allele origin: germline.
Comment: The p.H2203L variant (also known as c.6608A>T), located in coding exon 39 of the ATR gene, results from an A to T substitution at nucleotide position 6608. The histidine at codon 2203 is replaced by leucine, an amino acid with similar properties. This amino acid position is conserved. In addition, this alteration is predicted to be tolerated by in silico analysis. Since supporting evidence is limited at this time, the clinical significance of this alteration remains unclear.